The following is an entry in ClinVar:

ClinVar aggregate classification (germline): Likely benign (1 of 4 stars; one submission).

gnomAD v4.1: 113 of 1,614,010 alleles (0.007%); highest among the groups gnomAD compares: Middle Eastern, 0.033%; no homozygotes.

Submission:

CeGaT Center for Human Genetics Tuebingen
Classification: Likely benign. Last evaluated: 2026-04-01. Review status: criteria provided, single submitter. Criteria: CeGaT Center For Human Genetics Tuebingen Variant Classification Criteria Version 2. Collection method: clinical testing. Allele origin: germline. Affected: yes. Observed: 1 variant allele.
Comment: ATCAY: BP4, BP7

NM_033064.5(ATCAY):c.393C>T (p.Pro131=)

Gene: ATCAY (ATCAY kinesin light chain interacting caytaxin; plus strand). Cytogenetic location: 19p13.3.
Variant type: single nucleotide variant.
Coding change: c.393C>T on transcript NM_033064.5 (MANE Select); coding-DNA position 393, C replaced by T.
Protein change: p.Pro131=; no amino-acid change (proline 131 retained).
Molecular consequence: synonymous variant.
Genome position (GRCh38, 1-based): chr19:3,907,768, C>T. VCF-style: chr19-3907768-C-T. GRCh37 (hg19) VCF-style: chr19-3907766-C-T.
Identifiers: ClinVar variation 4873477 (VCV004873477.2).